The following is an entry in ClinVar:

ClinVar aggregate classification (germline): Uncertain significance. Review status: criteria provided, multiple submitters, no conflicts (2 of 4 stars). 4 submissions from 4 submitters: Uncertain significance (4). Last evaluated 2025-04-10.

Conditions:
ALG11-congenital disorder of glycosylation. Also called: CONGENITAL DISORDER OF GLYCOSYLATION, TYPE Ip; ALG11-CDG. Identifiers: Orphanet 280071, MedGen C3150913, MONDO:0013349, OMIM 613661.
Inborn genetic diseases. Identifiers: MedGen C0950123, MeSH D030342.

Allele frequency attached by ClinVar (database versions not stated): ExAC 0.00015; 1000 Genomes Project 30x 0.00016; 1000 Genomes Project 0.00020; gnomAD exomes 0.00022 and 0.00048; gnomAD 0.00025 and 0.00026; TOPMed 0.00026; ESP Exome Variant Server 0.00031.
gnomAD v4.1: 719 of 1,613,988 alleles (0.045%); highest among the groups gnomAD compares: Non-Finnish European, 0.058%; 2 homozygotes.

Submissions (4):

Ambry Genetics
Classification: Uncertain significance for Inborn genetic diseases. Last evaluated: 2025-04-10. Review status: criteria provided, single submitter. Criteria: Ambry Variant Classification Scheme 2023. Collection method: clinical testing. Allele origin: germline.

Blueprint Genetics
Classification: Uncertain significance. Last evaluated: 2024-09-12. Review status: criteria provided, single submitter. Criteria: ACMG Guidelines, 2015. Collection method: clinical testing. Allele origin: germline.

Labcorp Genetics (formerly Invitae), Labcorp
Classification: Uncertain significance for ALG11-congenital disorder of glycosylation. Last evaluated: 2022-09-07. Review status: criteria provided, single submitter. Criteria: Invitae Variant Classification Sherloc (09022015). Collection method: clinical testing. Allele origin: germline.
Comment: This sequence change replaces leucine, which is neutral and non-polar, with valine, which is neutral and non-polar, at codon 86 of the ALG11 protein (p.Leu86Val). This variant is present in population databases (rs182350911, gnomAD 0.05%). This variant has not been reported in the literature in individuals affected with ALG11-related conditions. ClinVar contains an entry for this variant (Variation ID: 312411). Algorithms developed to predict the effect of missense changes on protein structure and function (SIFT, PolyPhen-2, Align-GVGD) all suggest that this variant is likely to be tolerated. Algorithms developed to predict the effect of sequence changes on RNA splicing suggest that this variant may create or strengthen a splice site. In summary, the available evidence is currently insufficient to determine the role of this variant in disease. Therefore, it has been classified as a Variant of Uncertain Significance.

Illumina Laboratory Services, Illumina
Classification: Uncertain significance for ALG11-congenital disorder of glycosylation. Last evaluated: 2018-01-13. Review status: criteria provided, single submitter. Criteria: ICSL Variant Classification Criteria 13 December 2019. Collection method: clinical testing. Allele origin: germline.

NM_001004127.3(ALG11):c.256T>G (p.Leu86Val)

Gene: ALG11 (ALG11 alpha-1,2-mannosyltransferase; plus strand). Cytogenetic location: 13q14.3.
Variant type: single nucleotide variant.
Coding change: c.256T>G on transcript NM_001004127.3 (MANE Select); coding-DNA position 256, T replaced by G.
Protein change: p.Leu86Val; replaces leucine 86 with valine.
Molecular consequence: missense variant.
Genome position (GRCh38, 1-based): chr13:52,019,124, T>G. VCF-style: chr13-52019124-T-G. GRCh37 (hg19) VCF-style: chr13-52593260-T-G.
Other names: short protein forms L86V.
Identifiers: ClinVar variation 312411 (VCV000312411.17), dbSNP rs182350911, ClinGen allele CA6989853.